The following is an entry in ClinVar:

ClinVar aggregate classification (germline): Uncertain significance (1 of 4 stars; one submission).

Submission:

Labcorp Genetics (formerly Invitae), Labcorp
Classification: Uncertain significance. Last evaluated: 2024-06-17. Review status: criteria provided, single submitter. Criteria: Invitae Variant Classification Sherloc (09022015). Collection method: clinical testing. Allele origin: germline.
Comment: This sequence change replaces methionine, which is neutral and non-polar, with isoleucine, which is neutral and non-polar, at codon 110 of the C2CD3 protein (p.Met110Ile). This variant is not present in population databases (gnomAD no frequency). This variant has not been reported in the literature in individuals affected with C2CD3-related conditions. ClinVar contains an entry for this variant (Variation ID: 2097277). Advanced modeling of protein sequence and biophysical properties (such as structural, functional, and spatial information, amino acid conservation, physicochemical variation, residue mobility, and thermodynamic stability) performed at Invitae indicates that this missense variant is expected to disrupt C2CD3 protein function with a positive predictive value of 80%. In summary, the available evidence is currently insufficient to determine the role of this variant in disease. Therefore, it has been classified as a Variant of Uncertain Significance.

NM_001286577.2(C2CD3):c.330G>C (p.Met110Ile)

Gene: C2CD3 (C2 domain containing 3 centriole elongation regulator; minus strand). Cytogenetic location: 11q13.4.
Variant type: single nucleotide variant.
Coding change: c.330G>C on transcript NM_001286577.2 (MANE Select); coding-DNA position 330, G replaced by C.
Protein change: p.Met110Ile; replaces methionine 110 with isoleucine.
Molecular consequence: missense variant.
Genome position (GRCh38, 1-based): chr11:74,161,552, C>G on the plus strand (G>C on the coding strand, the complement: C2CD3 is on the minus strand). VCF-style: chr11-74161552-C-G. GRCh37 (hg19) VCF-style: chr11-73872597-C-G.
Other names: c.330G>C, p.Met110Ile (NM_015531.6); short protein forms M110I.
Identifiers: ClinVar variation 2097277 (VCV002097277.4), dbSNP rs1057523498, ClinGen allele CA381823789.